The following is an entry in ClinVar:

NM_012123.4(MTO1):c.731C>T (p.Ala244Val)

Gene: MTO1 (mitochondrial tRNA translation optimization 1; plus strand). Cytogenetic location: 6q13.
Variant type: single nucleotide variant.
Coding change: c.731C>T on transcript NM_012123.4 (MANE Select); coding-DNA position 731, C replaced by T.
Protein change: p.Ala244Val; replaces alanine 244 with valine.
Molecular consequence: missense variant.
Genome position (GRCh38, 1-based): chr6:73,473,560, C>T. VCF-style: chr6-73473560-C-T. GRCh37 (hg19) VCF-style: chr6-74183283-C-T.
Other names: c.731C>T, p.Ala244Val (NM_001123226.2, NM_133645.3); short protein forms A244V.
Identifiers: ClinVar variation 1420288 (VCV001420288.3), dbSNP rs761373532, ClinGen allele CA3889429.

ClinVar aggregate classification (germline): Uncertain significance (1 of 4 stars; one submission).

Conditions:
Mitochondrial hypertrophic cardiomyopathy with lactic acidosis due to MTO1 deficiency. Also called: CARDIOMYOPATHY, INFANTILE HYPERTROPHIC MITOCHONDRIAL, AND LACTIC ACIDOSIS; Combined oxidative phosphorylation deficiency 10. Identifiers: Orphanet 314637, MedGen C4749921, MONDO:0013865, OMIM 614702.

Allele frequency attached by ClinVar (database versions not stated): TOPMed below 0.00001; gnomAD 0.00001; ExAC 0.00002; gnomAD exomes 0.00002 and 0.00003.
gnomAD v4.1: 38 of 1,613,794 alleles (0.0024%); highest among the groups gnomAD compares: Non-Finnish European, 0.0031%; no homozygotes.

Submission:

Labcorp Genetics (formerly Invitae), Labcorp
Classification: Uncertain significance for Mitochondrial hypertrophic cardiomyopathy with lactic acidosis due to MTO1 deficiency. Last evaluated: 2021-09-21. Review status: criteria provided, single submitter. Criteria: Invitae Variant Classification Sherloc (09022015). Collection method: clinical testing. Allele origin: germline.
Comment: This sequence change replaces alanine with valine at codon 244 of the MTO1 protein (p.Ala244Val). The alanine residue is moderately conserved and there is a small physicochemical difference between alanine and valine. This variant is present in population databases (rs761373532, ExAC 0.004%). This variant has not been reported in the literature in individuals affected with MTO1-related conditions. Algorithms developed to predict the effect of missense changes on protein structure and function (SIFT, PolyPhen-2, Align-GVGD) all suggest that this variant is likely to be tolerated. In summary, the available evidence is currently insufficient to determine the role of this variant in disease. Therefore, it has been classified as a Variant of Uncertain Significance.